The following is an entry in ClinVar:

NM_000051.4(ATM):c.19_21del (p.Asp7del)

Gene: ATM (ATM serine/threonine kinase; plus strand). Cytogenetic location: 11q22.3.
Variant type: Deletion.
Coding change: c.19_21del on transcript NM_000051.4 (MANE Select); coding-DNA positions 19 to 21, 3 bases deleted (GAT; older notation c.19_21delGAT).
Protein change: p.Asp7del; deletes aspartic acid 7.
Molecular consequence: inframe deletion.
Genome position (GRCh38, 1-based): chr11:108,227,643-108,227,645, GAT deleted; deleting any 3 consecutive bases within chr11:108,227,641-108,227,645 gives the same sequence; the c. name uses the placement nearest the transcript's 3' end. VCF-style (leftmost placement, unchanged base first): chr11-108227640-AATG-A. GRCh37 (hg19) VCF-style: chr11-108098367-AATG-A.
Other names: c.19_21del, p.Asp7del (NM_001351834.2, NM_001351835.2, NM_001351836.2); short protein forms D7del.
Identifiers: ClinVar variation 2697033 (VCV002697033.4), dbSNP rs2496887799, ClinGen allele CA2615849756.

ClinVar aggregate classification (germline): Uncertain significance. Review status: criteria provided, multiple submitters, no conflicts (2 of 4 stars). 2 submissions from 2 submitters: Uncertain significance (2). Last evaluated 2026-05-26.

Conditions:
Hereditary cancer-predisposing syndrome. Also called: Tumor predisposition; Hereditary neoplastic syndrome; Neoplastic Syndromes, Hereditary; Hereditary Cancer Syndrome. Identifiers: Orphanet 140162, MedGen C0027672, MeSH D009386, MONDO:0015356.
Ataxia-telangiectasia syndrome (AT). Also called: Ataxia-telangiectasia, complementation group E; Ataxia-telangiectasia, complementation group D; LOUIS-BAR SYNDROME; AT, COMPLEMENTATION GROUP C; Cerebello-oculocutaneous telangiectasia; Immunodeficiency with ataxia telangiectasia. Identifiers: Orphanet 100, MedGen C0004135, MONDO:0008840, OMIM 208900.

Submissions (2):

Ambry Genetics
Classification: Uncertain significance for Hereditary cancer-predisposing syndrome. Last evaluated: 2026-05-26. Review status: criteria provided, single submitter. Criteria: Ambry Variant Classification Scheme 2023. Collection method: clinical testing. Allele origin: germline.
Comment: The c.19_21delGAT variant (also known as p.D7del) is located in coding exon 1 of the ATM gene. This variant results from an in-frame GAT deletion at nucleotide positions 19 to 21. This results in the in-frame deletion of an aspartic acid at codon 7. This amino acid position is well conserved in available vertebrate species. In addition, the in silico prediction for this variant is inconclusive (Choi Y et al. PLoS ONE. 2012; 7(10):e46688). Based on the available evidence, the clinical significance of this variant remains unclear.

Labcorp Genetics (formerly Invitae), Labcorp
Classification: Uncertain significance for Ataxia-telangiectasia syndrome. Last evaluated: 2023-06-06. Review status: criteria provided, single submitter. Criteria: Invitae Variant Classification Sherloc (09022015). Collection method: clinical testing. Allele origin: germline.
Comment: This variant, c.19_21del, results in the deletion of 1 amino acid(s) of the ATM protein (p.Asp7del), but otherwise preserves the integrity of the reading frame. This variant is not present in population databases (gnomAD no frequency). This variant has not been reported in the literature in individuals affected with ATM-related conditions. Experimental studies and prediction algorithms are not available or were not evaluated, and the functional significance of this variant is currently unknown. In summary, the available evidence is currently insufficient to determine the role of this variant in disease. Therefore, it has been classified as a Variant of Uncertain Significance.